The following is an entry in ClinVar:

NM_000550.3(TYRP1):c.386T>G (p.Val129Gly)

Gene: TYRP1 (tyrosinase related protein 1; plus strand). Cytogenetic location: 9p23.
Variant type: single nucleotide variant.
Coding change: c.386T>G on transcript NM_000550.3 (MANE Select); coding-DNA position 386, T replaced by G.
Protein change: p.Val129Gly; replaces valine 129 with glycine.
Molecular consequence: missense variant.
Genome position (GRCh38, 1-based): chr9:12,695,515, T>G. VCF-style: chr9-12695515-T-G. GRCh37 (hg19) VCF-style: chr9-12695515-T-G.
Other names: short protein forms V129G.
Identifiers: ClinVar variation 3652418 (VCV003652418.2).
Genomic context (GRCh38, chr9:12,695,515, plus strand): 5'-CTTTCTCTACCCATCCCCGCAAGGCAGATGTTTTCATGCTTGAATTTTGTATCCCTAAAG[T>G]CAGGAGAAATCTTCTGGACTTAAGTAAAGAAGAAAAGAACCACTTTGTCCGGGCCCTGGA-3'
Protein context (NP_000541.1, residues 119-139): GAACDQRVLI[Val129Gly]RRNLLDLSKE

ClinVar aggregate classification (germline): Uncertain significance (1 of 4 stars; one submission).

Submission:

Labcorp Genetics (formerly Invitae), Labcorp
Classification: Uncertain significance. Last evaluated: 2024-06-19. Review status: criteria provided, single submitter. Criteria: Invitae Variant Classification Sherloc (09022015). Collection method: clinical testing. Allele origin: germline.
Comment: This sequence change replaces valine, which is neutral and non-polar, with glycine, which is neutral and non-polar, at codon 129 of the TYRP1 protein (p.Val129Gly). This variant is not present in population databases (gnomAD no frequency). This missense change has been observed in individual(s) with ocular albinism (Invitae). In at least one individual the data is consistent with being in trans (on the opposite chromosome) from a pathogenic variant. An algorithm developed to predict the effect of missense changes on protein structure and function (PolyPhen-2) suggests that this variant is likely to be disruptive. In summary, the available evidence is currently insufficient to determine the role of this variant in disease. Therefore, it has been classified as a Variant of Uncertain Significance.